The following is an entry in ClinVar:

NM_000143.4(FH):c.975T>A (p.Ser325Arg)

Gene: FH (fumarate hydratase; minus strand). Cytogenetic location: 1q43.
Variant type: single nucleotide variant.
Coding change: c.975T>A on transcript NM_000143.4 (MANE Select); coding-DNA position 975, T replaced by A.
Protein change: p.Ser325Arg; replaces serine 325 with arginine.
Molecular consequence: missense variant.
Genome position (GRCh38, 1-based): chr1:241,504,175, A>T on the plus strand (T>A on the coding strand, the complement: FH is on the minus strand). VCF-style: chr1-241504175-A-T. GRCh37 (hg19) VCF-style: chr1-241667475-A-T.
Other names: short protein forms S325R.
Identifiers: ClinVar variation 3660167 (VCV003660167.2).

ClinVar aggregate classification (germline): Uncertain significance (1 of 4 stars; one submission).

Submission:

Labcorp Genetics (formerly Invitae), Labcorp
Classification: Uncertain significance. Last evaluated: 2024-07-22. Review status: criteria provided, single submitter. Criteria: Invitae Variant Classification Sherloc (09022015). Collection method: clinical testing. Allele origin: germline.
Comment: This sequence change replaces serine, which is neutral and polar, with arginine, which is basic and polar, at codon 325 of the FH protein (p.Ser325Arg). This variant is not present in population databases (gnomAD no frequency). This variant has not been reported in the literature in individuals affected with FH-related conditions. Advanced modeling of protein sequence and biophysical properties (such as structural, functional, and spatial information, amino acid conservation, physicochemical variation, residue mobility, and thermodynamic stability) performed at Invitae indicates that this missense variant is expected to disrupt FH protein function with a positive predictive value of 95%. In summary, the available evidence is currently insufficient to determine the role of this variant in disease. Therefore, it has been classified as a Variant of Uncertain Significance.